The following is an entry in ClinVar:

NM_000090.4(COL3A1):c.593G>A (p.Gly198Glu)

Gene: COL3A1 (collagen type III alpha 1 chain; plus strand). Cytogenetic location: 2q32.2.
Variant type: single nucleotide variant.
Coding change: c.593G>A on transcript NM_000090.4 (MANE Select); coding-DNA position 593, G replaced by A.
Protein change: p.Gly198Glu; replaces glycine 198 with glutamic acid.
Molecular consequence: missense variant.
Genome position (GRCh38, 1-based): chr2:188,988,600, G>A. VCF-style: chr2-188988600-G-A. GRCh37 (hg19) VCF-style: chr2-189853326-G-A.
Identifiers: ClinVar variation 101373 (VCV000101373.12), dbSNP rs587779641, ClinGen allele CA007113.
Genomic context (GRCh38, chr2:188,988,600, plus strand): 5'-TATATGAAGATTTTGTTACTTTAAAATTATTTACATATTCTACTCACTAGGGATCTCCAG[G>A]ATACCAAGGACCCCCTGGTGAACCTGGGCAAGCTGGTCCTTCAGTAAGTAACAATTAAAT-3'
Protein context (NP_000081.2, residues 188-208): SGHPGSPGSP[Gly198Glu]YQGPPGEPGQ

ClinVar aggregate classification (germline): Likely pathogenic. Review status: criteria provided, single submitter (1 of 4 stars). 2 submissions from 2 submitters: Likely pathogenic (1). 1 of the submissions does not count toward it. Last evaluated 2019-05-30.

Conditions:
Ehlers-Danlos syndrome, type 4 (EDSVASC). Also called: Ehlers-Danlos syndrome vascular type; Ehlers Danlos syndrome, ecchymotic type; Ehlers Danlos syndrome, arterial type; Ehlers Danlos syndrome, Sack-Barabas type; Ehlers-Danlos Syndrome Type IV. Identifiers: Orphanet 286, MedGen C0268338, MONDO:0017314, OMIM 130050.

Submissions (2):

Labcorp Genetics (formerly Invitae), Labcorp
Classification: Likely pathogenic for Ehlers-Danlos syndrome, type 4. Last evaluated: 2019-05-30. Review status: criteria provided, single submitter. Criteria: Invitae Variant Classification Sherloc (09022015). Collection method: clinical testing. Allele origin: germline.
Comment: This variant is not present in population databases (ExAC no frequency). In summary, the currently available evidence indicates that the variant is pathogenic, but additional data are needed to prove that conclusively. Therefore, this variant has been classified as Likely Pathogenic. Glycine residues within the Gly-Xaa-Yaa repeats of the triple helix domain are required for the structure and stability of fibrillar collagens (PMID: 7695699, 8218237, 19344236). In COL3A1, variants that affect these glycine residues are significantly enriched in individuals with disease (PMID: 24922459, 25758994) compared to the general population (ExAC). This variant has been observed in an individual affected with vascular Ehlers-Danlos syndrome (PMID: 24922459). ClinVar contains an entry for this variant (Variation ID: 101373). This sequence change replaces glycine with glutamic acid at codon 198 of the COL3A1 protein (p.Gly198Glu). The glycine residue is highly conserved and there is a moderate physicochemical difference between glycine and glutamic acid.

Collagen Diagnostic Laboratory, University of Washington
Classification: Pathogenic for Ehlers-Danlos syndrome, type 4. Review status: no assertion criteria provided. Collection method: clinical testing. Allele origin: germline. Affected: yes. Not counted in ClinVar's aggregate classification.

Literature cited by the submitters: PubMed 7695699 (cited by Labcorp Genetics (formerly Invitae), Labcorp); PubMed 8218237 (cited by Labcorp Genetics (formerly Invitae), Labcorp); PubMed 19344236 (cited by Labcorp Genetics (formerly Invitae), Labcorp); PubMed 24922459 (cited by Labcorp Genetics (formerly Invitae), Labcorp); PubMed 25758994 (cited by Labcorp Genetics (formerly Invitae), Labcorp).